The following is an entry in ClinVar:

NM_015268.4(DNAJC13):c.2550-10dup

Gene: DNAJC13 (DnaJ heat shock protein family (Hsp40) member C13; plus strand). Cytogenetic location: 3q22.1.
Variant type: Duplication.
Coding change: c.2550-10dup on transcript NM_015268.4 (MANE Select); 10 bases into the intron before coding-DNA position 2550, one base duplicated (T; older notation c.2550-10dupT).
Molecular consequence: intron variant.
Genome position (GRCh38, 1-based): chr3:132,477,971, T duplicated; the last of 10 consecutive T bases (chr3:132,477,962-132,477,971); duplicating any one gives the same sequence. VCF-style (leftmost placement, unchanged base first): chr3-132477961-C-CT. GRCh37 (hg19) VCF-style: chr3-132196805-C-CT.
Other names: c.2565-10dup (NM_001329126.2).
Identifiers: ClinVar variation 3060290 (VCV003060290.3), dbSNP rs201869611, ClinGen allele CA2619021.

ClinVar aggregate classification (germline): Likely benign. Review status: criteria provided, single submitter (1 of 4 stars). 2 submissions from 2 submitters: Likely benign (1). 1 of the submissions does not count toward it. Last evaluated 2024-11-26.

Conditions:
DNAJC13-related disorder. Also called: DNAJC13-related condition.

Submissions (2):

Blueprint Genetics
Classification: Likely benign. Last evaluated: 2024-11-26. Review status: criteria provided, single submitter. Criteria: ACMG Guidelines, 2015. Collection method: clinical testing. Allele origin: germline.

PreventionGenetics, part of Exact Sciences
Classification: Likely benign for DNAJC13-related condition. Last evaluated: 2024-02-19. Review status: no assertion criteria provided. Collection method: clinical testing. Allele origin: germline. Not counted in ClinVar's aggregate classification.
Comment: This variant is classified as likely benign based on ACMG/AMP sequence variant interpretation guidelines (Richards et al. 2015 PMID: 25741868, with internal and published modifications).